The following is an entry in ClinVar:

NM_000219.6(KCNE1):c.246C>G (p.Ile82Met)

Gene: KCNE1 (potassium voltage-gated channel subfamily E regulatory subunit 1; minus strand). Cytogenetic location: 21q22.12.
Variant type: single nucleotide variant.
Coding change: c.246C>G on transcript NM_000219.6 (MANE Select); coding-DNA position 246, C replaced by G.
Protein change: p.Ile82Met; replaces isoleucine 82 with methionine.
Molecular consequence: missense variant.
Genome position (GRCh38, 1-based): chr21:34,449,389, G>C on the plus strand (C>G on the coding strand, the complement: KCNE1 is on the minus strand). VCF-style: chr21-34449389-G-C. GRCh37 (hg19) VCF-style: chr21-35821687-G-C.
Other names: c.246C>G, p.Ile82Met (NM_001127668.4, NM_001127669.4, NM_001127670.4 and 4 more transcripts); short protein forms I82M.
Identifiers: ClinVar variation 2587504 (VCV002587504.7), dbSNP rs555086287, ClinGen allele CA320425252.

ClinVar aggregate classification (germline): Uncertain significance. Review status: criteria provided, multiple submitters, no conflicts (2 of 4 stars). 2 submissions from 2 submitters: Uncertain significance (2). Last evaluated 2023-10-14.

Conditions:
Long QT syndrome (LQTS). Identifiers: MedGen C0023976, MeSH D008133, MONDO:0002442. Disease mechanism: loss of function. Inheritance: Various modes of inheritance.
Cardiovascular phenotype. Identifiers: MedGen CN230736.

gnomAD v4.1: 2 of 1,604,532 alleles (0.00012%); highest among the groups gnomAD compares: Non-Finnish European, 0.00017%; no homozygotes.

Submissions (3):

Labcorp Genetics (formerly Invitae), Labcorp
Classification: Uncertain significance for Long QT syndrome. Last evaluated: 2023-10-14. Review status: criteria provided, single submitter. Criteria: Invitae Variant Classification Sherloc (09022015). Collection method: clinical testing. Allele origin: germline.
Comment: This sequence change replaces isoleucine, which is neutral and non-polar, with methionine, which is neutral and non-polar, at codon 82 of the KCNE1 protein (p.Ile82Met). This variant is present in population databases (rs555086287, gnomAD 0.0009%). This variant has not been reported in the literature in individuals affected with KCNE1-related conditions. Advanced modeling of protein sequence and biophysical properties (such as structural, functional, and spatial information, amino acid conservation, physicochemical variation, residue mobility, and thermodynamic stability) has been performed at Invitae for this missense variant, however the output from this modeling did not meet the statistical confidence thresholds required to predict the impact of this variant on KCNE1 protein function. In summary, the available evidence is currently insufficient to determine the role of this variant in disease. Therefore, it has been classified as a Variant of Uncertain Significance.

Ambry Genetics
Classification: Uncertain significance for Cardiovascular phenotype. Last evaluated: 2023-08-01. Review status: criteria provided, single submitter. Criteria: Ambry Variant Classification Scheme 2023. Collection method: clinical testing. Allele origin: germline.
Comment: The p.I82M variant (also known as c.246C>G), located in coding exon 1 of the KCNE1 gene, results from a C to G substitution at nucleotide position 246. The isoleucine at codon 82 is replaced by methionine, an amino acid with highly similar properties. This amino acid position is highly conserved in available vertebrate species. In addition, the in silico prediction for this alteration is inconclusive. Since supporting evidence is limited at this time, the clinical significance of this alteration remains unclear.

Roden Lab, Vanderbilt University Medical Center
No classification provided (evidence only). Condition: Long QT syndrome 5. Review status: no classification provided. Collection method: in vitro. Allele origin: not applicable. Functional consequence: Effect on ion channel function. Not counted in ClinVar's aggregate classification.
ClinVar note: "not provided" was previously submitted as the classification for the variant. However, the classification appeared to be based only on an observation of functional data so it was converted to no classification on 2025-07-30.